The following is an entry in ClinVar:

NM_015102.5(NPHP4):c.2091C>T (p.Gly697=)

Gene: NPHP4 (nephrocystin 4; minus strand). Cytogenetic location: 1p36.31.
Variant type: single nucleotide variant.
Coding change: c.2091C>T on transcript NM_015102.5 (MANE Select); coding-DNA position 2091, C replaced by T.
Protein change: p.Gly697=; no amino-acid change (glycine 697 retained).
Molecular consequence: synonymous variant. On other transcripts: non-coding transcript variant (1).
Genome position (GRCh38, 1-based): chr1:5,904,669, G>A on the plus strand (C>T on the coding strand, the complement: NPHP4 is on the minus strand). VCF-style: chr1-5904669-G-A. GRCh37 (hg19) VCF-style: chr1-5964729-G-A.
Other names: c.552C>T, p.Gly184= (NM_001291593.2); c.555C>T, p.Gly185= (NM_001291594.2); c.2091C>T (NM_015102.4).
Identifiers: ClinVar variation 1396133 (VCV001396133.10), dbSNP rs531162424, ClinGen allele CA554279.

ClinVar aggregate classification (germline): Likely benign. Review status: criteria provided, single submitter (1 of 4 stars). 2 submissions from 2 submitters: Likely benign (1). 1 of the submissions does not count toward it. Last evaluated 2025-12-18.

Conditions:
Nephronophthisis. Also called: Juvenile Nephronophthisis. Identifiers: Orphanet 655, MedGen C0687120, MONDO:0019005, HP:0000090.
NPHP4-related disorder. Also called: NPHP4-related disorders; NPHP4-related condition. Identifiers: MedGen CN239384.

Allele frequency attached by ClinVar (database versions not stated): TOPMed 0.00001; gnomAD 0.00002 and 0.00003; ExAC 0.00006; 1000 Genomes Project 30x 0.00016; 1000 Genomes Project 0.00020.
gnomAD v4.1: 66 of 1,613,888 alleles (0.0041%); highest among the groups gnomAD compares: East Asian, 0.076%; no homozygotes.

Submissions (2):

Labcorp Genetics (formerly Invitae), Labcorp
Classification: Likely benign for Nephronophthisis. Last evaluated: 2025-12-18. Review status: criteria provided, single submitter. Criteria: Invitae Variant Classification Sherloc (09022015). Collection method: clinical testing. Allele origin: germline.

PreventionGenetics, part of Exact Sciences
Classification: Likely benign for NPHP4-related condition. Last evaluated: 2022-04-29. Review status: no assertion criteria provided. Collection method: clinical testing. Allele origin: germline. Not counted in ClinVar's aggregate classification.
Comment: This variant is classified as likely benign based on ACMG/AMP sequence variant interpretation guidelines (Richards et al. 2015 PMID: 25741868, with internal and published modifications).